The following is an entry in ClinVar:

NM_012144.4(DNAI1):c.1191_1193del (p.Tyr397_Leu398delinsTer)

Gene: DNAI1 (dynein axonemal intermediate chain 1; plus strand). Cytogenetic location: 9p13.3.
Variant type: Deletion.
Coding change: c.1191_1193del on transcript NM_012144.4 (MANE Select); coding-DNA positions 1191 to 1193, 3 bases deleted (CCT; older notation c.1191_1193delCCT).
Protein change: p.Tyr397_Leu398delinsTer.
Molecular consequence: nonsense.
Genome position (GRCh38, 1-based): chr9:34,506,754-34,506,756, CCT deleted. VCF-style (leftmost placement, unchanged base first): chr9-34506753-ACCT-A. GRCh37 (hg19) VCF-style: chr9-34506751-ACCT-A.
Other names: c.1203_1205del, p.Tyr401_Leu402delinsTer (NM_001281428.2).
Identifiers: ClinVar variation 1456764 (VCV001456764.6), dbSNP rs2132076876, ClinGen allele CA2573144573.

ClinVar aggregate classification (germline): Pathogenic (1 of 4 stars; one submission).

Conditions:
Primary ciliary dyskinesia. Also called: Ciliary dyskinesia. Identifiers: Orphanet 244, MedGen C0008780, MONDO:0016575, HP:0012265.

Submission:

Labcorp Genetics (formerly Invitae), Labcorp
Classification: Pathogenic for Primary ciliary dyskinesia. Last evaluated: 2022-11-01. Review status: criteria provided, single submitter. Criteria: Invitae Variant Classification Sherloc (09022015). Collection method: clinical testing. Allele origin: germline.
Comment: For these reasons, this variant has been classified as Pathogenic. ClinVar contains an entry for this variant (Variation ID: 1456764). This variant has not been reported in the literature in individuals affected with DNAI1-related conditions. This variant is not present in population databases (gnomAD no frequency). This sequence change creates a premature translational stop signal (p.Tyr397*) in the DNAI1 gene. It is expected to result in an absent or disrupted protein product. Loss-of-function variants in DNAI1 are known to be pathogenic (PMID: 16858015, 29363216).

Literature cited by the submitters: PubMed 16858015; PubMed 29363216.